The following is an entry in ClinVar:

NM_198253.3(TERT):c.1942G>A (p.Glu648Lys)

Gene: TERT (telomerase reverse transcriptase; minus strand). Cytogenetic location: 5p15.33.
Variant type: single nucleotide variant.
Coding change: c.1942G>A on transcript NM_198253.3 (MANE Select); coding-DNA position 1942, G replaced by A.
Protein change: p.Glu648Lys; replaces glutamic acid 648 with lysine.
Molecular consequence: missense variant. On other transcripts: non-coding transcript variant (2).
Genome position (GRCh38, 1-based): chr5:1,280,166, C>T on the plus strand (G>A on the coding strand, the complement: TERT is on the minus strand). VCF-style: chr5-1280166-C-T. GRCh37 (hg19) VCF-style: chr5-1280281-C-T.
Other names: c.1942G>A, p.Glu648Lys (NM_001193376.3, NM_003219.1); short protein forms E648K.
Identifiers: ClinVar variation 2943440 (VCV002943440.3), dbSNP rs2478283855, ClinGen allele CA359081001.

ClinVar aggregate classification (germline): Uncertain significance (1 of 4 stars; one submission).

Conditions:
Idiopathic Pulmonary Fibrosis. Also called: Idiopathic fibrosing alveolitis, chronic form; idiopathic fibrosing alveolitis. Identifiers: Orphanet 2032, MedGen C1800706, MeSH D054990, MONDO:0800504.
Dyskeratosis congenita, autosomal dominant 2. Identifiers: MedGen C3151443, MONDO:0013521, OMIM 613989.

Submission:

Labcorp Genetics (formerly Invitae), Labcorp
Classification: Uncertain significance for Dyskeratosis congenita, autosomal dominant 2; Idiopathic Pulmonary Fibrosis. Last evaluated: 2023-01-20. Review status: criteria provided, single submitter. Criteria: Invitae Variant Classification Sherloc (09022015). Collection method: clinical testing. Allele origin: germline.
Comment: This variant is not present in population databases (gnomAD no frequency). In summary, the available evidence is currently insufficient to determine the role of this variant in disease. Therefore, it has been classified as a Variant of Uncertain Significance. Algorithms developed to predict the effect of missense changes on protein structure and function (SIFT, PolyPhen-2, Align-GVGD) all suggest that this variant is likely to be tolerated. This variant has not been reported in the literature in individuals affected with TERT-related conditions. This sequence change replaces glutamic acid, which is acidic and polar, with lysine, which is basic and polar, at codon 648 of the TERT protein (p.Glu648Lys).